The following is an entry in ClinVar:

NM_000512.5(GALNS):c.502G>T (p.Gly168Ter)

Gene: GALNS (galactosamine (N-acetyl)-6-sulfatase; minus strand). Cytogenetic location: 16q24.3.
Variant type: single nucleotide variant.
Coding change: c.502G>T on transcript NM_000512.5 (MANE Select); coding-DNA position 502, G replaced by T.
Protein change: p.Gly168Ter; replaces glycine 168 with a stop codon.
Molecular consequence: nonsense. On other transcripts: 5 prime UTR variant (1).
Genome position (GRCh38, 1-based): chr16:88,837,686, C>A on the plus strand (G>T on the coding strand, the complement: GALNS is on the minus strand). VCF-style: chr16-88837686-C-A. GRCh37 (hg19) VCF-style: chr16-88904094-C-A.
Other names: c.-54G>T (NM_001323543.2); c.520G>T, p.Gly174Ter (NM_001323544.2); short protein forms G168*, G174*.
Identifiers: ClinVar variation 1048280 (VCV001048280.3), dbSNP rs775732598, ClinGen allele CA397082892.

ClinVar aggregate classification (germline): Likely pathogenic (1 of 4 stars; one submission).

Conditions:
Mucopolysaccharidosis, MPS-IV-A (MPS4A). Also called: Mucopolysaccharidosis type IV A; Mucopolysaccharidosis Type IVA; Morquio syndrome A, mild; MORQUIO SYNDROME A; MPS IVA; mucopolysaccharidosis type 4A. Identifiers: Orphanet 309297, Orphanet 582, MedGen C0086651, MONDO:0009659, OMIM 253000.

Submission:

Laboratory of Diagnosis and Therapy of Lysosomal Disorders, University of Padova
Classification: Likely pathogenic for Mucopolysaccharidosis, MPS-IV-A. Last evaluated: 2021-02-01. Review status: criteria provided, single submitter. Criteria: ACMG Guidelines, 2015. Collection method: curation. Allele origin: germline. Affected: yes.
Comment: Nonsense variant (PVS1_very strong); absent from gnomAD v2.1.1 (PM2_moderate)

Literature cited by the submitters: PubMed 31200731; PubMed 34387910.